The following is an entry in ClinVar:

Conditions:
Breast-ovarian cancer, familial, susceptibility to, 1 (BROVCA1). Also called: BRCA1 Hereditary Breast and Ovarian Cancer; OVARIAN CANCER, SUSCEPTIBILITY TO. Identifiers: Orphanet 145, MedGen C2676676, MONDO:0011450, OMIM 604370. Disease mechanism: loss of function.

Submission:

Brotman Baty Institute, University of Washington
No classification provided (evidence only). Condition: Breast-ovarian cancer, familial 1. Review status: no classification provided. Collection method: in vitro. Allele origin: not applicable. Functional consequence: functionally_normal.
ClinVar note: "not provided" was previously submitted as the classification for the variant. However, the classification appeared to be based only on an observation of functional data so it was converted to no classification on 2025-07-30.

NM_007294.4(BRCA1):c.5153-19T>G

Gene: BRCA1 (BRCA1 DNA repair associated; minus strand). Cytogenetic location: 17q21.31.
Variant type: single nucleotide variant.
Coding change: c.5153-19T>G on transcript NM_007294.4 (MANE Select); 19 bases into the intron before coding-DNA position 5153, T replaced by G.
Molecular consequence: intron variant.
Genome position (GRCh38, 1-based): chr17:43,063,392, A>C on the plus strand (T>G on the coding strand, the complement: BRCA1 is on the minus strand). VCF-style: chr17-43063392-A-C. GRCh37 (hg19) VCF-style: chr17-41215409-A-C.
Other names: c.1700-19T>G (NM_001408458.1, NM_001408461.1, NM_001408464.1 and 7 more transcripts); c.4262-19T>G (NM_001407967.1); c.4772-19T>G (NM_001407959.1); c.4886-19T>G (NM_001407931.1, NM_001407932.1, NM_001407928.1 and 4 more transcripts); c.5009-19T>G (NM_001407747.1, NM_001407745.1, NM_001407737.1 and 21 more transcripts); c.4769-19T>G (NM_001407962.1, NM_001407960.1); c.1340-19T>G (NM_001408512.1); c.1463-19T>G (NM_001408510.1); and 72 more.
Identifiers: ClinVar variation 867414 (VCV000867414.3), dbSNP rs1567768861, ClinGen allele CA916080085.
Genomic context (GRCh38, chr17:43,063,392, plus strand): 5'-CCTCATTCAGCATTTTTCTTTCTTTAATAGACTGGGTCACCCCTAAAGAGATCATAGAAA[A>C]GACAGGTTACATACAGCAGAAGAACGTGCTCTTTTCACGGAGATAGAGAGGTCAGCGATT-3'